The following is an entry in ClinVar:

NM_001122630.2(CDKN1C):c.802C>A (p.Arg268Ser)

Gene: CDKN1C (cyclin dependent kinase inhibitor 1C; minus strand). Cytogenetic location: 11p15.4.
Variant type: single nucleotide variant.
Coding change: c.802C>A on transcript NM_001122630.2 (MANE Select); coding-DNA position 802, C replaced by A.
Protein change: p.Arg268Ser; replaces arginine 268 with serine.
Molecular consequence: missense variant.
Genome position (GRCh38, 1-based): chr11:2,884,120, G>T on the plus strand (C>A on the coding strand, the complement: CDKN1C is on the minus strand). VCF-style: chr11-2884120-G-T. GRCh37 (hg19) VCF-style: chr11-2905350-G-T.
Other names: c.835C>A, p.Arg279Ser (NM_000076.2, NM_001362474.2); c.802C>A, p.Arg268Ser (NM_001122631.2); c.270C>A, p.Ser90Arg (NM_001362475.2); short protein forms R268S, R279S, S90R.
Identifiers: ClinVar variation 986832 (VCV000986832.5), dbSNP rs1848883206, ClinGen allele CA379145109.

ClinVar aggregate classification (germline): Likely pathogenic. Review status: criteria provided, multiple submitters, no conflicts (2 of 4 stars). 3 submissions from 3 submitters: Likely pathogenic (2). 1 of the submissions does not count toward it. Last evaluated 2025-10-21.

Conditions:
IMAGe syndrome. Also called: Intrauterine Growth Restriction, Metaphyseal Dysplasia, Adrenal Hypoplasia Congenita, and Genital Anomalies; Intrauterine growth retardation, metaphyseal dysplasia, adrenal hypoplasia congenita, and genital anomalies. Identifiers: Orphanet 85173, MedGen C1846009, MONDO:0013873, OMIM 614732.
Monogenic short statue.

Submissions (3):

NHS Central & South Genomic Laboratory Hub
Classification: Likely pathogenic for Monogenic short statue. Last evaluated: 2025-10-21. Review status: criteria provided, single submitter. Criteria: ACMG Guidelines, 2015. Collection method: clinical testing. Allele origin: germline. Affected: yes.

Institute of Medical Genetics and Applied Genomics, University Hospital Tübingen
Classification: Likely pathogenic. Last evaluated: 2020-10-23. Review status: criteria provided, single submitter. Criteria: ACMG Guidelines, 2015. Collection method: clinical testing. Allele origin: germline. Inheritance: Unknown mechanism. Affected: yes.

GeneReviews
No classification provided. Condition: IMAGe syndrome. Review status: no classification provided. Collection method: literature only. Allele origin: germline. Not counted in ClinVar's aggregate classification.
Comment: Associated with Silver-Russell syndrome

Literature cited by the submitters: PubMed 33076988 (cited by GeneReviews); PubMed 24624461 (cited by GeneReviews).